The following is an entry in ClinVar:

NM_000135.4(FANCA):c.4342C>A (p.Leu1448Met)

Genes: FANCA (FA complementation group A; minus strand), ZNF276 (zinc finger protein 276; plus strand). Cytogenetic location: 16q24.3.
Variant type: single nucleotide variant.
Coding change: c.4342C>A on transcript NM_000135.4 (MANE Select); coding-DNA position 4342, C replaced by A.
Protein change: p.Leu1448Met; replaces leucine 1448 with methionine.
Molecular consequence: missense variant. On other transcripts: 3 prime UTR variant (3), non-coding transcript variant (4).
Genome position (GRCh38, 1-based): chr16:89,738,627, G>T on the plus strand (C>A on the coding strand, the complement: FANCA is on the minus strand). VCF-style: chr16-89738627-G-T. GRCh37 (hg19) VCF-style: chr16-89805035-G-T.
Other names: c.*71C>A (NM_001286167.3); c.*381G>T (NM_001113525.2, NM_152287.4); short protein forms L1448M.
Identifiers: ClinVar variation 3848086 (VCV003848086.1).

ClinVar aggregate classification (germline): Uncertain significance (1 of 4 stars; one submission).

Conditions:
Inborn genetic diseases. Identifiers: MedGen C0950123, MeSH D030342.

Submission:

Ambry Genetics
Classification: Uncertain significance for Inborn genetic diseases. Last evaluated: 2025-01-06. Review status: criteria provided, single submitter. Criteria: Ambry Variant Classification Scheme 2023. Collection method: clinical testing. Allele origin: germline.
Comment: The p.L1448M variant (also known as c.4342C>A), located in coding exon 43 of the FANCA gene, results from a C to A substitution at nucleotide position 4342. The leucine at codon 1448 is replaced by methionine, an amino acid with highly similar properties. This amino acid position is conserved. In addition, this alteration is predicted to be tolerated by in silico analysis. Based on the available evidence, the clinical significance of this variant remains unclear.